The following is an entry in ClinVar:

NM_007254.4(PNKP):c.1554C>T (p.Phe518=)

Gene: PNKP (polynucleotide kinase 3'-phosphatase; minus strand). Cytogenetic location: 19q13.33.
Variant type: single nucleotide variant.
Coding change: c.1554C>T on transcript NM_007254.4 (MANE Select); coding-DNA position 1554, C replaced by T.
Protein change: p.Phe518=; no amino-acid change (phenylalanine 518 retained).
Molecular consequence: synonymous variant.
Genome position (GRCh38, 1-based): chr19:49,861,260, G>A on the plus strand (C>T on the coding strand, the complement: PNKP is on the minus strand). VCF-style: chr19-49861260-G-A. GRCh37 (hg19) VCF-style: chr19-50364517-G-A.
Identifiers: ClinVar variation 701635 (VCV000701635.11), dbSNP rs541143958, ClinGen allele CA309539567.

ClinVar aggregate classification (germline): Likely benign. Review status: criteria provided, single submitter (1 of 4 stars). 2 submissions from 2 submitters: Likely benign (1). 1 of the submissions does not count toward it. Last evaluated 2023-09-10.

Conditions:
PNKP-related disorder. Also called: PNKP-related disorders; PNKP-related condition.
Developmental and epileptic encephalopathy, 12 (DEE12). Identifiers: MedGen C3150988, MONDO:0013389, OMIM 613722.

Allele frequency attached by ClinVar (database versions not stated): gnomAD exomes below 0.00001 and 0.00001; gnomAD 0.00002 and 0.00005; TOPMed 0.00002.

Submissions (2):

Labcorp Genetics (formerly Invitae), Labcorp
Classification: Likely benign for Developmental and epileptic encephalopathy, 12. Last evaluated: 2023-09-10. Review status: criteria provided, single submitter. Criteria: Invitae Variant Classification Sherloc (09022015). Collection method: clinical testing. Allele origin: germline.

PreventionGenetics, part of Exact Sciences
Classification: Likely benign for PNKP-related condition. Last evaluated: 2019-03-21. Review status: no assertion criteria provided. Collection method: clinical testing. Allele origin: germline. Not counted in ClinVar's aggregate classification.
Comment: This variant is classified as likely benign based on ACMG/AMP sequence variant interpretation guidelines (Richards et al. 2015 PMID: 25741868, with internal and published modifications).